The following is an entry in ClinVar:

NM_001003694.2(BRPF1):c.2045T>G (p.Phe682Cys)

Gene: BRPF1 (bromodomain and PHD finger containing 1; plus strand). Cytogenetic location: 3p25.3.
Variant type: single nucleotide variant.
Coding change: c.2045T>G on transcript NM_001003694.2 (MANE Select); coding-DNA position 2045, T replaced by G.
Protein change: p.Phe682Cys; replaces phenylalanine 682 with cysteine.
Molecular consequence: missense variant. On other transcripts: non-coding transcript variant (1).
Genome position (GRCh38, 1-based): chr3:9,742,987, T>G. VCF-style: chr3-9742987-T-G. GRCh37 (hg19) VCF-style: chr3-9784671-T-G.
Other names: c.2027T>G, p.Phe676Cys (NM_001319049.2, NM_001319050.2, NM_001437892.1 and 4 more transcripts); c.2045T>G, p.Phe682Cys (NM_001410704.1, NM_001438344.1, NM_001438345.1); short protein forms F682C, F676C.
Identifiers: ClinVar variation 5009909 (VCV005009909.1).

ClinVar aggregate classification (germline): Uncertain significance (1 of 4 stars; one submission).

Submission:

GeneDx
Classification: Uncertain significance. Last evaluated: 2026-02-11. Review status: criteria provided, single submitter. Criteria: GeneDx Variant Classification Process June 2021. Collection method: clinical testing. Allele origin: germline.
Comment: Not observed at significant frequency in large population cohorts (gnomAD); In silico analysis suggests that this missense variant does not alter protein structure/function; Has not been previously published as pathogenic or benign to our knowledge